The following is an entry in ClinVar:

NM_000018.4(ACADVL):c.1639G>A (p.Val547Met)

Gene: ACADVL (acyl-CoA dehydrogenase very long chain; plus strand). Cytogenetic location: 17p13.1.
Variant type: single nucleotide variant.
Coding change: c.1639G>A on transcript NM_000018.4 (MANE Select); coding-DNA position 1639, G replaced by A.
Protein change: p.Val547Met; replaces valine 547 with methionine.
Molecular consequence: missense variant.
Genome position (GRCh38, 1-based): chr17:7,224,513, G>A. VCF-style: chr17-7224513-G-A. GRCh37 (hg19) VCF-style: chr17-7127832-G-A.
Other names: c.1573G>A, p.Val525Met (NM_001033859.3); c.1708G>A, p.Val570Met (NM_001270447.2); c.1411G>A, p.Val471Met (NM_001270448.2); short protein forms V570M, V547M, V471M, V525M.
Identifiers: ClinVar variation 971019 (VCV000971019.9), dbSNP rs2071384107, ClinGen allele CA397725543.

ClinVar aggregate classification (germline): Likely pathogenic (1 of 4 stars; one submission).

Conditions:
Very long chain acyl-CoA dehydrogenase deficiency (ACADVLD). Also called: Very Long-Chain Acyl-Coenzyme A Dehydrogenase Deficiency; VLCAD Deficiency. Identifiers: Orphanet 26793, MedGen C3887523, MONDO:0008723, OMIM 201475.

Submission:

Labcorp Genetics (formerly Invitae), Labcorp
Classification: Likely pathogenic for Very long chain acyl-CoA dehydrogenase deficiency. Last evaluated: 2019-10-18. Review status: criteria provided, single submitter. Criteria: Invitae Variant Classification Sherloc (09022015). Collection method: clinical testing. Allele origin: germline.
Comment: For these reasons, this allele has been classified as Likely Pathogenic. Algorithms developed to predict the effect of missense changes on protein structure and function are either unavailable or do not agree on the potential impact of this missense change (SIFT: "Deleterious"; PolyPhen-2: "Possibly Damaging"; Align-GVGD: "Class C0"). This variant has been observed in combination with another ACADVL variant in several individuals affected with VLCAD deficiency (PMID: 18670371, 30023301, Invitae). This variant is not present in population databases (ExAC no frequency). This sequence change replaces valine with methionine at codon 547 of the ACADVL protein (p.Val547Met). The valine residue is highly conserved and there is a small physicochemical difference between valine and methionine.

Literature cited by the submitters: PubMed 18670371; PubMed 30023301.